The following is an entry in ClinVar:

ClinVar aggregate classification (germline): Pathogenic/Likely pathogenic. Review status: criteria provided, multiple submitters, no conflicts (2 of 4 stars). 2 submissions from 2 submitters: Pathogenic (1); Likely pathogenic (1). Last evaluated 2024-12-11.

Conditions:
Alpha thalassemia-X-linked intellectual disability syndrome (ATRX). Also called: ALPHA-THALASSEMIA/MENTAL RETARDATION SYNDROME, X-LINKED; ATR, NONDELETION TYPE; ATR-X syndrome; Alpha thalassemia mental retardation syndrome, nondeletion type, X-linked; XLMR hypotonic face syndrome; X-linked alpha-thalassemia-mental retardation syndrome. Identifiers: Orphanet 847, MedGen C1845055, MONDO:0010519, OMIM 301040.

Submissions (2):

Natera, Inc.
Classification: Likely pathogenic for X-linked alpha-thalassemia-mental retardation syndrome. Last evaluated: 2024-12-11. Review status: criteria provided, single submitter. Criteria: Natera Variant Classification Schema (03/2026). Collection method: clinical testing. Allele origin: germline.
Comment: The c.3064C>T variant in ATRX is a nonsense variant predicted to introduce a stop codon at amino acid 1022. This variant is expected to result in nonsense mediated decay, truncation, or a dysfunctional protein product. This variant is rare in the general population with a frequency below the threshold expected for the associated phenotype(s). Given the available evidence, this variant is classified as Likely Pathogenic.

Labcorp Genetics (formerly Invitae), Labcorp
Classification: Pathogenic for Alpha thalassemia-X-linked intellectual disability syndrome. Last evaluated: 2024-02-17. Review status: criteria provided, single submitter. Criteria: Invitae Variant Classification Sherloc (09022015). Collection method: clinical testing. Allele origin: germline.
Comment: This sequence change creates a premature translational stop signal (p.Arg1022*) in the ATRX gene. It is expected to result in an absent or disrupted protein product. Loss-of-function variants in ATRX are known to be pathogenic (PMID: 15591283, 18409179, 23681356). This variant is not present in population databases (gnomAD no frequency). This variant has not been reported in the literature in individuals affected with ATRX-related conditions. For these reasons, this variant has been classified as Pathogenic.

Literature cited by the submitters: PubMed 15591283 (cited by Labcorp Genetics (formerly Invitae), Labcorp); PubMed 18409179 (cited by Labcorp Genetics (formerly Invitae), Labcorp); PubMed 23681356 (cited by Labcorp Genetics (formerly Invitae), Labcorp).

NM_000489.6(ATRX):c.3064C>T (p.Arg1022Ter)

Gene: ATRX (ATRX chromatin remodeler; minus strand). Cytogenetic location: Xq21.1.
Variant type: single nucleotide variant.
Coding change: c.3064C>T on transcript NM_000489.6 (MANE Select); coding-DNA position 3064, C replaced by T.
Protein change: p.Arg1022Ter; replaces arginine 1022 with a stop codon.
Molecular consequence: nonsense.
Genome position (GRCh38, 1-based): chrX:77,682,192, G>A on the plus strand (C>T on the coding strand, the complement: ATRX is on the minus strand). VCF-style: chrX-77682192-G-A. GRCh37 (hg19) VCF-style: chrX-76937684-G-A.
Other names: c.2950C>T, p.Arg984Ter (NM_138270.5); short protein forms R1022*, R984*.
Identifiers: ClinVar variation 2699967 (VCV002699967.4), dbSNP rs2071246388, ClinGen allele CA413708290.